The following is an entry in ClinVar:

ClinVar aggregate classification (germline): Uncertain significance. Review status: criteria provided, multiple submitters, no conflicts (2 of 4 stars). 4 submissions from 4 submitters: Uncertain significance (4). Last evaluated 2025-08-09.

Conditions:
Inborn genetic diseases. Identifiers: MedGen C0950123, MeSH D030342.
Malignant hyperthermia, susceptibility to, 5 (MHS5). Also called: CACNA1S-Related Malignant Hyperthermia Susceptibility. Identifiers: Orphanet 423, MedGen C1866077, MONDO:0011163, OMIM 601887.
Thyrotoxic periodic paralysis, susceptibility to, 1 (TTPP1). Identifiers: Orphanet 79102, MedGen C2749982, MONDO:0008570, OMIM 188580.
Congenital myopathy 18. Also called: DIHYDROPYRIDINE RECEPTOR CONGENITAL MYOPATHY; DHPR CONGENITAL MYOPATHY; Myopathy, congenital, due to dihydropyridine receptor defect. Identifiers: MedGen C5830283, MONDO:0859514, OMIM 620246.
Hypokalemic periodic paralysis, type 1. Also called: Hypokalemic Periodic Paralysis Type 1 (AD); HypoPP. Identifiers: Orphanet 681, MedGen C3714580, MONDO:0042979, OMIM 170400.

Allele frequency attached by ClinVar (database versions not stated): gnomAD 0.00002; TOPMed 0.00003; 1000 Genomes Project 0.00020; 1000 Genomes Project 30x 0.00031.

Submissions (4):

Ambry Genetics
Classification: Uncertain significance for Inborn genetic diseases. Last evaluated: 2025-08-09. Review status: criteria provided, single submitter. Criteria: Ambry Variant Classification Scheme 2023. Collection method: clinical testing. Allele origin: germline.

Labcorp Genetics (formerly Invitae), Labcorp
Classification: Uncertain significance for Hypokalemic periodic paralysis, type 1; Malignant hyperthermia, susceptibility to, 5. Last evaluated: 2024-12-09. Review status: criteria provided, single submitter. Criteria: Invitae Variant Classification Sherloc (09022015). Collection method: clinical testing. Allele origin: germline.
Comment: This sequence change replaces isoleucine, which is neutral and non-polar, with methionine, which is neutral and non-polar, at codon 781 of the CACNA1S protein (p.Ile781Met). This variant is not present in population databases (gnomAD no frequency). This variant has not been reported in the literature in individuals affected with CACNA1S-related conditions. ClinVar contains an entry for this variant (Variation ID: 2516284). Invitae Evidence Modeling of protein sequence and biophysical properties (such as structural, functional, and spatial information, amino acid conservation, physicochemical variation, residue mobility, and thermodynamic stability) has been performed for this missense variant. However, the output from this modeling did not meet the statistical confidence thresholds required to predict the impact of this variant on CACNA1S protein function. In summary, the available evidence is currently insufficient to determine the role of this variant in disease. Therefore, it has been classified as a Variant of Uncertain Significance.

Color Diagnostics, LLC DBA Color Health
Classification: Uncertain significance for Malignant hyperthermia, susceptibility to, 5. Last evaluated: 2024-06-04. Review status: criteria provided, single submitter. Criteria: ACMG Guidelines, 2015. Collection method: clinical testing. Allele origin: germline.
Comment: This missense variant replaces isoleucine with methionine at codon 781 of the CACNA1S protein. Computational prediction is inconclusive regarding the impact of this variant on protein structure and function. To our knowledge, functional studies have not been reported for this variant. This variant has not been reported in individuals affected with CACNA1S-related disorders in the literature. This variant has been identified in 1/251300 chromosomes in the general population by the Genome Aggregation Database (gnomAD). The available evidence is insufficient to determine the role of this variant in disease conclusively. Therefore, this variant is classified as a Variant of Uncertain Significance.

Fulgent Genetics
Classification: Uncertain significance for Hypokalemic periodic paralysis, type 1; Thyrotoxic periodic paralysis, susceptibility to, 1; Malignant hyperthermia, susceptibility to, 5; Congenital myopathy 18. Last evaluated: 2024-03-21. Review status: criteria provided, single submitter. Criteria: ACMG Guidelines, 2015. Collection method: clinical testing. Allele origin: germline.

NM_000069.3(CACNA1S):c.2343C>G (p.Ile781Met)

Gene: CACNA1S (calcium voltage-gated channel subunit alpha1 S; minus strand). Cytogenetic location: 1q32.1.
Variant type: single nucleotide variant.
Coding change: c.2343C>G on transcript NM_000069.3 (MANE Select); coding-DNA position 2343, C replaced by G.
Protein change: p.Ile781Met; replaces isoleucine 781 with methionine.
Molecular consequence: missense variant.
Genome position (GRCh38, 1-based): chr1:201,070,289, G>C on the plus strand (C>G on the coding strand, the complement: CACNA1S is on the minus strand). VCF-style: chr1-201070289-G-C. GRCh37 (hg19) VCF-style: chr1-201039417-G-C.
Other names: short protein forms I781M.
Identifiers: ClinVar variation 2516284 (VCV002516284.7), dbSNP rs199990080, ClinGen allele CA35973985.
Genomic context (GRCh38, chr1:201,070,289, plus strand): 5'-AGAGCCGCATCAATCACCCCCACAGCAGCCAAGGGGCACCCACTTATTGGTGGGGCTGAA[G>C]ATGAAGAAGGAGCTGGCTTCTGGAATGGGCACGGCCTTCTCTTTCAGCTGCAGCTCAGCC-3'
Protein context (NP_000060.2, residues 771-791): VPIPEASSFF[Ile781Met]FSPTNKIRVL